The following is an entry in ClinVar:

ClinVar aggregate classification (germline): Conflicting classifications of pathogenicity. Review status: criteria provided, conflicting classifications (1 of 4 stars). 5 submissions from 5 submitters: Uncertain significance (4); Likely benign (1). Last evaluated 2025-07-03.

Conditions:
Hereditary cancer-predisposing syndrome. Also called: Hereditary neoplastic syndrome; Neoplastic Syndromes, Hereditary; Tumor predisposition; Hereditary Cancer Syndrome. Identifiers: Orphanet 140162, MedGen C0027672, MeSH D009386, MONDO:0015356.
Hereditary breast ovarian cancer syndrome. Also called: Hereditary breast and ovarian cancer syndrome (HBOC); Breast and ovarian cancer; Hereditary breast and/or ovarian cancer syndrome; BRCA1- and BRCA2-Associated Hereditary Breast and Ovarian Cancer; Hereditary breast and ovarian cancer syndrome; Hereditary breast and ovarian cancer. Identifiers: Orphanet 145, MedGen C0677776, MeSH D061325, MONDO:0003582. Disease mechanism: loss of function.

Submissions (5):

Color Diagnostics, LLC DBA Color Health
Classification: Uncertain significance for Hereditary cancer-predisposing syndrome. Last evaluated: 2025-07-03. Review status: criteria provided, single submitter. Criteria: ACMG Guidelines, 2015. Collection method: clinical testing. Allele origin: germline.
Comment: This missense variant replaces valine with alanine at codon 409 of the BRCA1 protein. Computational prediction is inconclusive regarding the impact of this variant on protein structure and function. To our knowledge, functional studies have not been reported for this variant. This variant has been detected in a breast cancer case-control meta-analysis in 0/60466 cases and 1/53461 unaffected individuals (PMID: 33471991Leiden Open Variation Database DB-ID BRCA1_006525), and this variant has been detected in 1 individual older than age 70 years who has never had cancer (FLOSSIES database). A multifactorial analysis has reported a likelihood ratio for pathogenicity based on personal and family history of 0.991 from log(LR)=-0.0040 for one carrier (PMID: 31853058). This variant has not been identified in the general population by the Genome Aggregation Database (gnomAD). The available evidence is insufficient to determine the role of this variant in disease conclusively. Therefore, this variant is classified as a Variant of Uncertain Significance.

Labcorp Genetics (formerly Invitae), Labcorp
Classification: Uncertain significance for Hereditary breast ovarian cancer syndrome. Last evaluated: 2024-10-22. Review status: criteria provided, single submitter. Criteria: Invitae Variant Classification Sherloc (09022015). Collection method: clinical testing. Allele origin: germline.
Comment: This sequence change replaces valine, which is neutral and non-polar, with alanine, which is neutral and non-polar, at codon 409 of the BRCA1 protein (p.Val409Ala). This variant is not present in population databases (gnomAD no frequency). This variant has not been reported in the literature in individuals affected with BRCA1-related conditions. ClinVar contains an entry for this variant (Variation ID: 185888). Invitae Evidence Modeling of protein sequence and biophysical properties (such as structural, functional, and spatial information, amino acid conservation, physicochemical variation, residue mobility, and thermodynamic stability) indicates that this missense variant is not expected to disrupt BRCA1 protein function with a negative predictive value of 80%. In summary, the available evidence is currently insufficient to determine the role of this variant in disease. Therefore, it has been classified as a Variant of Uncertain Significance.

Ambry Genetics
Classification: Uncertain significance for Hereditary cancer-predisposing syndrome. Last evaluated: 2023-04-14. Review status: criteria provided, single submitter. Criteria: Ambry Variant Classification Scheme 2023. Collection method: clinical testing. Allele origin: germline.
Comment: The p.V409A variant (also known as c.1226T>C), located in coding exon 9 of the BRCA1 gene, results from a T to C substitution at nucleotide position 1226. The valine at codon 409 is replaced by alanine, an amino acid with similar properties. This alteration was observed with an allele frequency of 0.0000 in 7,051 unselected female breast cancer patients and was observed with an allele frequency of 0.00018 in 11,241 female controls of Japanese ancestry. In addition, it was not observed in unselected male breast cancer patients and or controls of Japanese ancestry (Momozawa Y et al. Nat Commun. 2018 Oct;9:4083). This amino acid position is not well conserved in available vertebrate species. In addition, the in silico prediction for this alteration is inconclusive. Since supporting evidence is limited at this time, the clinical significance of this alteration remains unclear.

University of Washington Department of Laboratory Medicine, University of Washington
Classification: Likely benign for Hereditary cancer-predisposing syndrome. Last evaluated: 2023-03-23. Review status: criteria provided, single submitter. Criteria: Dines et al. (Genet Med. 2020). Collection method: curation. Allele origin: germline.
Comment: Missense variant in a coldspot region where missense variants are very unlikely to be pathogenic (PMID:31911673).

BRCA1 coldspot (exon 11 using historical exon numbering). Reclassification based on statistical prior probability

GeneDx
Classification: Uncertain significance. Last evaluated: 2020-10-08. Review status: criteria provided, single submitter. Criteria: GeneDx Variant Classification Process June 2021. Collection method: clinical testing. Allele origin: germline. Affected: yes.
Comment: Not observed in large population cohorts (Lek et al., 2016); In silico analysis supports that this missense variant has a deleterious effect on protein structure/function; Has not been previously published as pathogenic or benign to our knowledge; Also known as 1345T>C

Literature cited by the submitters: PubMed 31853058 (cited by Color Diagnostics, LLC DBA Color Health); PubMed 33471991 (cited by Color Diagnostics, LLC DBA Color Health); PubMed 30287823 (cited by Ambry Genetics).

NM_007294.4(BRCA1):c.1226T>C (p.Val409Ala)

Gene: BRCA1 (BRCA1 DNA repair associated; minus strand). Cytogenetic location: 17q21.31.
Variant type: single nucleotide variant.
Coding change: c.1226T>C on transcript NM_007294.4 (MANE Select); coding-DNA position 1226, T replaced by C.
Protein change: p.Val409Ala; replaces valine 409 with alanine.
Molecular consequence: missense variant. On other transcripts: intron variant (137).
Genome position (GRCh38, 1-based): chr17:43,094,305, A>G on the plus strand (T>C on the coding strand, the complement: BRCA1 is on the minus strand). VCF-style: chr17-43094305-A-G. GRCh37 (hg19) VCF-style: chr17-41246322-A-G.
Other names: c.1013T>C, p.Val338Ala (NM_001407571.1, NM_001407853.1, NM_001407894.1 and 9 more transcripts); c.1226T>C, p.Val409Ala (NM_001407581.1, NM_001407582.1, NM_001407583.1 and 30 more transcripts); c.1223T>C, p.Val408Ala (NM_001407587.1, NM_001407590.1, NM_001407591.1 and 22 more transcripts); c.787+439T>C (NM_001407969.1, NM_001407968.1, NM_001407973.1 and 19 more transcripts); c.577+439T>C (NM_001408492.1, NM_001408513.1, NM_001408489.1 and 9 more transcripts); c.643+439T>C (NM_001408468.1, NM_001408465.1, NM_001408463.1 and 3 more transcripts); c.523+439T>C (NM_001408501.1, NM_001408500.1, NM_001408497.1 and 3 more transcripts); c.646+439T>C (NM_001408455.1, NM_001408466.1, NM_001408452.1 and 11 more transcripts); and 40 more; short protein forms V409A, V362A, V341A, V342A, V361A, V367A, V383A, V241A.
Identifiers: ClinVar variation 185888 (VCV000185888.26), dbSNP rs786202539, ClinGen allele CA000802.